The following is an entry in ClinVar:

ClinVar aggregate classification (germline): Pathogenic (1 of 4 stars; one submission).

Conditions:
Hereditary cancer-predisposing syndrome. Also called: Neoplastic Syndromes, Hereditary; Hereditary Cancer Syndrome; Tumor predisposition; Hereditary neoplastic syndrome. Identifiers: Orphanet 140162, MedGen C0027672, MeSH D009386, MONDO:0015356.

Submission:

GeneKor MSA
Classification: Pathogenic for Hereditary cancer-predisposing syndrome. Last evaluated: 2020-01-01. Review status: criteria provided, single submitter. Criteria: ACMG Guidelines, 2015. Collection method: clinical testing. Allele origin: germline.
Comment: This variant is a large genomic deletion which encompasses two exons (9-10) of the CHEK2 gene. This is expected to result in an absent or disrupted protein product. Truncating variants in CHEK2 are known to be pathogenic (PMID: 21876083, 24713400). This variant has been described in the international literature in individuals with breast cancer, prostate cancer, thyroid cancer, and thrombocythemia (PMID: 16551709, 16897426, 19030985, 21876083, 25583358, 17085682, 22058216) and in individuals undergoing panel testing for hereditary syndrome (PMID: 31159747). In the literature, these deletions have also been described as del5395, which removes 5,395 base pairs including exons 9 and 10.

deletion of exons 9-10

NM_007194.4(CHEK2):c.(908+1_909-1)_(1095+1_1096-1)del

Gene: CHEK2 (checkpoint kinase 2; minus strand).
Variant type: Deletion.
Coding change: c.(908+1_909-1)_(1095+1_1096-1)del on transcript NM_007194.4; a large deletion whose breakpoints are not mapped to the base.
Other names: c.(908+1_909-1)_(1095+1_1096-1)del (NM_007194.4).
Identifiers: ClinVar variation 584576 (VCV000584576.2).